The following is an entry in ClinVar:

ClinVar aggregate classification (germline): Likely benign (1 of 4 stars; one submission).

Conditions:
GIGYF1-related disorder. Also called: GIGYF1-related condition.

gnomAD v4.1: 52 of 1,575,714 alleles (0.0033%); highest among the groups gnomAD compares: African/African-American, 0.06%; no homozygotes.

Submission:

PreventionGenetics, part of Exact Sciences
Classification: Likely benign for GIGYF1-related condition. Last evaluated: 2024-12-26. Review status: criteria provided, single submitter. Criteria: ACMG Guidelines, 2015. Collection method: clinical testing. Allele origin: germline.
Comment: This variant is classified as likely benign based on ACMG/AMP sequence variant interpretation guidelines (Richards et al. 2015 PMID: 25741868, with internal and published modifications).

NM_001375765.1(GIGYF1):c.2367C>A (p.Pro789=)

Gene: GIGYF1 (GRB10 interacting GYF protein 1; minus strand). Cytogenetic location: 7q22.1.
Variant type: single nucleotide variant.
Coding change: c.2367C>A on transcript NM_001375765.1 (MANE Select); coding-DNA position 2367, C replaced by A.
Protein change: p.Pro789=; no amino-acid change (proline 789 retained).
Molecular consequence: synonymous variant. On other transcripts: non-coding transcript variant (1).
Genome position (GRCh38, 1-based): chr7:100,683,057, G>T on the plus strand (C>A on the coding strand, the complement: GIGYF1 is on the minus strand). VCF-style: chr7-100683057-G-T. GRCh37 (hg19) VCF-style: chr7-100280680-G-T.
Other names: NM_022574.4:c.2367C>A; c.2367C>A, p.Pro789= (NM_001375759.1, NM_001375760.1, NM_001375761.1 and 6 more transcripts).
Identifiers: ClinVar variation 4980496 (VCV004980496.1).
Genomic context (GRCh38, chr7:100,683,057, plus strand): 5'-TCCCGGCCTGCTCACCACTCGGTGGTTGGGGGCCTGGGCCCGAGCTGGCTCCCGAGGTGG[G>T]GGCTGTTTGTGCAGCTGCCGCTCGCCCTCCAGCTGCAACTCCAGGAGCGTCTTCATGGAC-3'
Protein context (NP_001362694.1, residues 779-799): LEGERQLHKQ[Pro789=]PPREPARAQA